The following is an entry in ClinVar:

ClinVar aggregate classification (germline): Uncertain significance (1 of 4 stars; one submission).

gnomAD v4.1: 1 of 1,609,810 alleles (0.000062%); highest among the groups gnomAD compares: Non-Finnish European, 0.000085%; no homozygotes.

Submission:

Women's Health and Genetics/Laboratory Corporation of America, LabCorp
Classification: Uncertain significance. Last evaluated: 2022-05-04. Review status: criteria provided, single submitter. Criteria: LabCorp Variant Classification Summary - May 2015. Collection method: clinical testing. Allele origin: germline.
Comment: Variant summary: AP3B1 c.2890T>G (p.Leu964Val) results in a conservative amino acid change in the encoded protein sequence. Three of five in-silico tools predict a benign effect of the variant on protein function. The variant was absent in 251104 control chromosomes (gnomAD). The available data on variant occurrences in the general population are insufficient to allow any conclusion about variant significance. To our knowledge, no occurrence of c.2890T>G in individuals affected with Hermansky-Pudlak Syndrome and no experimental evidence demonstrating its impact on protein function have been reported. No clinical diagnostic laboratories have submitted clinical-significance assessments for this variant to ClinVar after 2014. Based on the evidence outlined above, the variant was classified as uncertain significance.

NM_003664.5(AP3B1):c.2890T>G (p.Leu964Val)

Gene: AP3B1 (adaptor related protein complex 3 subunit beta 1; minus strand). Cytogenetic location: 5q14.1.
Variant type: single nucleotide variant.
Coding change: c.2890T>G on transcript NM_003664.5 (MANE Select); coding-DNA position 2890, T replaced by G.
Protein change: p.Leu964Val; replaces leucine 964 with valine.
Molecular consequence: missense variant.
Genome position (GRCh38, 1-based): chr5:78,034,365, A>C on the plus strand (T>G on the coding strand, the complement: AP3B1 is on the minus strand). VCF-style: chr5-78034365-A-C. GRCh37 (hg19) VCF-style: chr5-77330189-A-C.
Other names: c.2743T>G, p.Leu915Val (NM_001271769.2); short protein forms L915V, L964V.
Identifiers: ClinVar variation 1696231 (VCV001696231.1), dbSNP rs750377910, ClinGen allele CA360333832.